The following is an entry in ClinVar:

NM_001330311.2(DVL1):c.1864G>A (p.Gly622Ser)

Gene: DVL1 (dishevelled segment polarity protein 1; minus strand). Cytogenetic location: 1p36.33.
Variant type: single nucleotide variant.
Coding change: c.1864G>A on transcript NM_001330311.2 (MANE Select); coding-DNA position 1864, G replaced by A.
Protein change: p.Gly622Ser; replaces glycine 622 with serine.
Molecular consequence: missense variant.
Genome position (GRCh38, 1-based): chr1:1,336,366, C>T on the plus strand (G>A on the coding strand, the complement: DVL1 is on the minus strand). VCF-style: chr1-1336366-C-T. GRCh37 (hg19) VCF-style: chr1-1271746-C-T.
Other names: c.1789G>A, p.Gly597Ser (NM_004421.3); short protein forms G597S, G622S.
Identifiers: ClinVar variation 1990727 (VCV001990727.5), dbSNP rs568283927, ClinGen allele CA519797.

ClinVar aggregate classification (germline): Conflicting classifications of pathogenicity. Review status: criteria provided, conflicting classifications (1 of 4 stars). 2 submissions from 2 submitters: Uncertain significance (1); Likely benign (1). Last evaluated 2022-10-19.

Conditions:
Inborn genetic diseases. Identifiers: MedGen C0950123, MeSH D030342.

Allele frequency attached by ClinVar (database versions not stated): gnomAD 0.00005; ExAC 0.00008; 1000 Genomes Project 0.00020; 1000 Genomes Project 30x 0.00031.
gnomAD v4.1: 103 of 1,596,758 alleles (0.0065%); highest among the groups gnomAD compares: Middle Eastern, 0.017%; no homozygotes.

Submissions (2):

Labcorp Genetics (formerly Invitae), Labcorp
Classification: Uncertain significance. Last evaluated: 2022-10-19. Review status: criteria provided, single submitter. Criteria: Invitae Variant Classification Sherloc (09022015). Collection method: clinical testing. Allele origin: germline.
Comment: In summary, the available evidence is currently insufficient to determine the role of this variant in disease. Therefore, it has been classified as a Variant of Uncertain Significance. Advanced modeling of protein sequence and biophysical properties (such as structural, functional, and spatial information, amino acid conservation, physicochemical variation, residue mobility, and thermodynamic stability) performed at Invitae indicates that this missense variant is not expected to disrupt DVL1 protein function. This variant has not been reported in the literature in individuals affected with DVL1-related conditions. This variant is present in population databases (rs568283927, gnomAD 0.01%). This sequence change replaces glycine, which is neutral and non-polar, with serine, which is neutral and polar, at codon 597 of the DVL1 protein (p.Gly597Ser).

Ambry Genetics
Classification: Likely benign for Inborn genetic diseases. Last evaluated: 2022-06-24. Review status: criteria provided, single submitter. Criteria: Ambry Variant Classification Scheme 2023. Collection method: clinical testing. Allele origin: germline.